The following is an entry in ClinVar:

ClinVar aggregate classification (germline): Uncertain significance (1 of 4 stars; one submission).

Conditions:
Noonan syndrome 8 (NS8). Identifiers: Orphanet 648, MedGen C3809233, MONDO:0014143, OMIM 615355.

Submission:

Labcorp Genetics (formerly Invitae), Labcorp
Classification: Uncertain significance for Noonan syndrome 8. Last evaluated: 2022-09-23. Review status: criteria provided, single submitter. Criteria: Invitae Variant Classification Sherloc (09022015). Collection method: clinical testing. Allele origin: germline.
Comment: This variant has not been reported in the literature in individuals affected with RIT1-related conditions. Advanced modeling of protein sequence and biophysical properties (such as structural, functional, and spatial information, amino acid conservation, physicochemical variation, residue mobility, and thermodynamic stability) performed at Invitae indicates that this missense variant is not expected to disrupt RIT1 protein function. This variant is not present in population databases (gnomAD no frequency). In summary, the available evidence is currently insufficient to determine the role of this variant in disease. Therefore, it has been classified as a Variant of Uncertain Significance. This sequence change replaces lysine, which is basic and polar, with threonine, which is neutral and polar, at codon 196 of the RIT1 protein (p.Lys196Thr).

NM_006912.6(RIT1):c.587A>C (p.Lys196Thr)

Gene: RIT1 (Ras like without CAAX 1; minus strand). Cytogenetic location: 1q22.
Variant type: single nucleotide variant.
Coding change: c.587A>C on transcript NM_006912.6 (MANE Select); coding-DNA position 587, A replaced by C.
Protein change: p.Lys196Thr; replaces lysine 196 with threonine.
Molecular consequence: missense variant.
Genome position (GRCh38, 1-based): chr1:155,900,461, T>G on the plus strand (A>C on the coding strand, the complement: RIT1 is on the minus strand). VCF-style: chr1-155900461-T-G. GRCh37 (hg19) VCF-style: chr1-155870252-T-G.
Other names: c.479A>C, p.Lys160Thr (NM_001256820.2); c.638A>C, p.Lys213Thr (NM_001256821.2); short protein forms K160T, K196T, K213T.
Identifiers: ClinVar variation 1720204 (VCV001720204.5), dbSNP rs2527171213, ClinGen allele CA342800958.
Genomic context (GRCh38, chr1:155,900,461, plus strand): 5'-TCTTTCTTCTTCCGGAATGGTGATTTTAGCCTCTTCCATACACTGTTTTTGGGCTTAGAT[T>G]TTTTCTCCATGGCCAGTACTGCCTCCTTTTCTTTCCTACGTATCTCCCGTACAAGGGCAT-3'
Protein context (NP_008843.1, residues 186-206): EKEAVLAMEK[Lys196Thr]SKPKNSVWKR